The following is an entry in ClinVar:

NM_001039.4(SCNN1G):c.*675A>G

Gene: SCNN1G (sodium channel epithelial 1 subunit gamma; plus strand). Cytogenetic location: 16p12.2.
Variant type: single nucleotide variant.
Coding change: c.*675A>G on transcript NM_001039.4 (MANE Select); 675 bases downstream of the stop codon, A replaced by G.
Molecular consequence: 3 prime UTR variant.
Genome position (GRCh38, 1-based): chr16:23,216,144, A>G. VCF-style: chr16-23216144-A-G. GRCh37 (hg19) VCF-style: chr16-23227465-A-G.
Identifiers: ClinVar variation 318372 (VCV000318372.8), dbSNP rs5730, ClinGen allele CA10637357.

ClinVar aggregate classification (germline): Benign. Review status: criteria provided, multiple submitters, no conflicts (2 of 4 stars). 4 submissions from 3 submitters: Benign (4). Last evaluated 2021-05-15.

Conditions:
Liddle syndrome 2. Identifiers: MedGen C4748251, MONDO:0020854, OMIM 618114.
Pseudohypoaldosteronism, type IB1, autosomal recessive. Also called: Pseudohypoaldosteronism, Type I, Autosomal Recessive; PHA I, AUTOSOMAL RECESSIVE; Pseudohypoaldosteronism, Type I, Recessive; Autosomal recessive pseudohypoaldosteronism type 1. Identifiers: Orphanet 171876, Orphanet 756, MedGen C5774176, MONDO:0009917, OMIM 264350.

Allele frequency attached by ClinVar (database versions not stated): gnomAD exomes 0.12348; 1000 Genomes Project 0.15495; 1000 Genomes Project 30x 0.15506; TOPMed 0.20675; gnomAD 0.22311.
gnomAD v4.1: 32,281 of 152,774 alleles (21%); highest among the groups gnomAD compares: African/African-American, 25%; 3,530 homozygotes.

Submissions (4):

GeneDx
Classification: Benign. Last evaluated: 2021-05-15. Review status: criteria provided, single submitter. Criteria: GeneDx Variant Classification Process June 2021. Collection method: clinical testing. Allele origin: germline. Affected: yes.

Illumina Laboratory Services, Illumina
Classification: Benign for Pseudohypoaldosteronism, type IB1, autosomal recessive. Last evaluated: 2017-04-27. Review status: criteria provided, single submitter. Criteria: ICSL Variant Classification Criteria 13 December 2019. Collection method: clinical testing. Allele origin: germline.
Comment: This variant was observed as part of a predisposition screen in an ostensibly healthy population. A literature search was performed for the gene, cDNA change, and amino acid change (where applicable). No publications were found based on this search. Allele frequency data from public databases was too high to be consistent with this variant causing disease. Therefore, this variant is classified as benign.

Illumina Laboratory Services, Illumina
Classification: Benign for Liddle syndrome 2. Last evaluated: 2017-04-27. Review status: criteria provided, single submitter. Criteria: ICSL Variant Classification Criteria 13 December 2019. Collection method: clinical testing. Allele origin: germline.
Comment: the same text as in the submission from Illumina Laboratory Services, Illumina above.

Breakthrough Genomics
Classification: Benign. Review status: criteria provided, single submitter. Criteria: ACMG Guidelines, 2015. Collection method: not provided. Allele origin: germline. Inheritance: Autosomal dominant inheritance. Affected: yes.